The following is an entry in ClinVar:

ClinVar aggregate classification (germline): Conflicting classifications of pathogenicity. Review status: criteria provided, conflicting classifications (1 of 4 stars). 3 submissions from 3 submitters: Uncertain significance (2); Likely benign (1). Last evaluated 2025-12-01.

Conditions:
Charcot-Marie-Tooth disease. Also called: Charcot-Marie-Tooth Hereditary Neuropathy; Charcot-Marie-Tooth Neuropathy. Identifiers: Orphanet 166, MedGen C0007959, MONDO:0015626.
Charcot-Marie-Tooth disease axonal type 2F (CMT2F). Also called: CHARCOT-MARIE-TOOTH DISEASE, NEURONAL, TYPE 2F; Charcot-Marie-Tooth Neuropathy Type 2F. Identifiers: Orphanet 99940, MedGen C1847823, MONDO:0011687, OMIM 606595.

Allele frequency attached by ClinVar (database versions not stated): gnomAD exomes 0.00004 and 0.00009; gnomAD 0.00005; TOPMed 0.00008; ExAC 0.00020.
gnomAD v4.1: 60 of 1,543,046 alleles (0.0039%); highest among the groups gnomAD compares: Non-Finnish European, 0.00061%; no homozygotes.

Submissions (3):

Labcorp Genetics (formerly Invitae), Labcorp
Classification: Likely benign for Charcot-Marie-Tooth disease axonal type 2F. Last evaluated: 2025-12-01. Review status: criteria provided, single submitter. Criteria: Invitae Variant Classification Sherloc (09022015). Collection method: clinical testing. Allele origin: germline.

GeneDx
Classification: Uncertain significance. Last evaluated: 2017-06-06. Review status: criteria provided, single submitter. Criteria: GeneDx Variant Classification (06012015). Collection method: clinical testing. Allele origin: germline. Affected: yes.
Comment: A variant of uncertain significance has been identified in the HSPB1 gene. The D93N variant has been reported previously as a variant of unknown significance in association with CMT; however, additional clinical information and inheritance pattern were not provided (DiVincenzo et al., 2014). The D93N variant is observed in 3/5180 (0.06%) alleles from individuals of European non-Finnish background (Lek et al., 2016; 1000 Genomes Consortium et al., 2015; Exome Variant Server). The D93N variant is a semi-conservative amino acid substitution, which may impact secondary protein structure as these residues differ in some properties. This substitution occurs at a position where amino acids with similar properties to Aspartic acid are tolerated across species. In silico analysis predicts this variant is probably damaging to the protein structure/function. Therefore, based on the currently available information, it is unclear whether this variant is a pathogenic variant or a rare benign variant.

Molecular Genetics Laboratory, London Health Sciences Centre
Classification: Uncertain significance for Charcot-Marie-Tooth disease. Review status: criteria provided, single submitter. Criteria: ACMG Guidelines, 2015. Collection method: clinical testing. Allele origin: germline. Affected: yes.

NM_001540.5(HSPB1):c.277G>A (p.Asp93Asn)

Gene: HSPB1 (heat shock protein family B (small) member 1; plus strand). Cytogenetic location: 7q11.23.
Variant type: single nucleotide variant.
Coding change: c.277G>A on transcript NM_001540.5 (MANE Select); coding-DNA position 277, G replaced by A.
Protein change: p.Asp93Asn; replaces aspartic acid 93 with asparagine.
Molecular consequence: missense variant.
Genome position (GRCh38, 1-based): chr7:76,302,989, G>A. VCF-style: chr7-76302989-G-A. GRCh37 (hg19) VCF-style: chr7-75932306-G-A.
Other names: c.277G>A (LRG_248t1); short protein forms D93N.
Identifiers: ClinVar variation 432537 (VCV000432537.13), dbSNP rs777201941, ClinGen allele CA4306301.